The following is an entry in ClinVar:

ClinVar aggregate classification (germline): Uncertain significance. Review status: criteria provided, multiple submitters, no conflicts (2 of 4 stars). 2 submissions from 2 submitters: Uncertain significance (2). Last evaluated 2023-11-27.

Conditions:
Autosomal recessive limb-girdle muscular dystrophy type 2Q (LGMDR17). Also called: MUSCULAR DYSTROPHY, LIMB-GIRDLE, AUTOSOMAL RECESSIVE 17. Identifiers: Orphanet 254361, MedGen C3150989, MONDO:0013390, OMIM 613723.
Epidermolysis bullosa simplex 5B, with muscular dystrophy (EBS5B). Also called: EPIDERMOLYSIS BULLOSA SIMPLEX AND LIMB-GIRDLE MUSCULAR DYSTROPHY; Epidermolysis bullosa simplex with muscular dystrophy. Identifiers: Orphanet 257, MedGen C2931072, MONDO:0009181, OMIM 226670.
Epidermolysis bullosa simplex, Ogna type (EBS5A). Also called: Pidermolysis bullosa simplex 5A, Ogna type; EPIDERMOLYSIS BULLOSA SIMPLEX 5A, OGNA TYPE. Identifiers: Orphanet 79401, MedGen C0432317, MONDO:0007555, OMIM 131950.
Epidermolysis bullosa simplex with nail dystrophy (EBS5D). Identifiers: MedGen C4225309, MONDO:0014661, OMIM 616487.
Epidermolysis bullosa simplex 5C, with pyloric atresia (EBS5C). Also called: Epidermolysis bullosa simplex with pyloric atresia; PLEC1-Related Epidermolysis Bullosa with Pyloric Atresia; PLEC-Related Epidermolysis Bullosa with Pyloric Atresia. Identifiers: Orphanet 158684, MedGen C2677349, MONDO:0012807, OMIM 612138.

Allele frequency attached by ClinVar (database versions not stated): gnomAD exomes 0.00001; gnomAD 0.00002 and 0.00005; ExAC 0.00003; TOPMed 0.00003; ESP Exome Variant Server 0.00008; 1000 Genomes Project 30x 0.00016; 1000 Genomes Project 0.00020.
gnomAD v4.1: 27 of 1,612,984 alleles (0.0017%); highest among the groups gnomAD compares: South Asian, 0.0055%; no homozygotes.

Submissions (2):

Labcorp Genetics (formerly Invitae), Labcorp
Classification: Uncertain significance for Autosomal recessive limb-girdle muscular dystrophy type 2Q; Epidermolysis bullosa simplex, Ogna type; Epidermolysis bullosa simplex with nail dystrophy; Epidermolysis bullosa simplex 5C, with pyloric atresia; Epidermolysis bullosa simplex 5B, with muscular dystrophy. Last evaluated: 2023-11-27. Review status: criteria provided, single submitter. Criteria: Invitae Variant Classification Sherloc (09022015). Collection method: clinical testing. Allele origin: germline.
Comment: This sequence change replaces aspartic acid, which is acidic and polar, with asparagine, which is neutral and polar, at codon 4361 of the PLEC protein (p.Asp4361Asn). This variant is present in population databases (rs368495183, gnomAD 0.003%). This variant has not been reported in the literature in individuals affected with PLEC-related conditions. ClinVar contains an entry for this variant (Variation ID: 1480206). Advanced modeling of protein sequence and biophysical properties (such as structural, functional, and spatial information, amino acid conservation, physicochemical variation, residue mobility, and thermodynamic stability) performed at Invitae indicates that this missense variant is not expected to disrupt PLEC protein function with a negative predictive value of 80%. In summary, the available evidence is currently insufficient to determine the role of this variant in disease. Therefore, it has been classified as a Variant of Uncertain Significance.

Revvity Omics, Revvity
Classification: Uncertain significance. Last evaluated: 2019-10-30. Review status: criteria provided, single submitter. Criteria: ACMG Guidelines, 2015. Collection method: clinical testing. Allele origin: germline.

NM_201384.3(PLEC):c.13000G>A (p.Asp4334Asn)

Gene: PLEC (plectin; minus strand). Cytogenetic location: 8q24.3.
Variant type: single nucleotide variant.
Coding change: c.13000G>A on transcript NM_201384.3 (MANE Select); coding-DNA position 13000, G replaced by A.
Protein change: p.Asp4334Asn; replaces aspartic acid 4334 with asparagine.
Molecular consequence: missense variant.
Genome position (GRCh38, 1-based): chr8:143,916,821, C>T on the plus strand (G>A on the coding strand, the complement: PLEC is on the minus strand). VCF-style: chr8-143916821-C-T. GRCh37 (hg19) VCF-style: chr8-144990989-C-T.
Other names: c.13081G>A, p.Asp4361Asn (NM_000445.5); c.12958G>A, p.Asp4320Asn (NM_201378.4); c.12934G>A, p.Asp4312Asn (NM_201379.3); c.13411G>A, p.Asp4471Asn (NM_201380.4); c.12904G>A, p.Asp4302Asn (NM_201381.3); c.13000G>A, p.Asp4334Asn (NM_201382.4); c.13012G>A, p.Asp4338Asn (NM_201383.3); short protein forms D4320N, D4471N, D4302N, D4338N, D4361N, D4312N, D4334N.
Identifiers: ClinVar variation 1480206 (VCV001480206.9), dbSNP rs368495183, ClinGen allele CA4923927.
Genomic context (GRCh38, chr8:143,916,821, plus strand): 5'-TCTGGGCCAGGTTGATGCGGTCCACCATGATCTTGTCCACCAGGCCCTTGTTGACGGCGT[C>T]GGTGACAGGGAAGCGCTCACCGGTGCTGGGGTCGATGATGCCCCCGGTGCAGGCCTGCGC-3'
Protein context (NP_958786.1, residues 4324-4344): PSTGERFPVT[Asp4334Asn]AVNKGLVDKI